The following is an entry in ClinVar:

ClinVar aggregate classification (germline): Likely benign (1 of 4 stars; one submission).

Conditions:
Malignant hyperthermia, susceptibility to, 5 (MHS5). Also called: CACNA1S-Related Malignant Hyperthermia Susceptibility. Identifiers: Orphanet 423, MedGen C1866077, MONDO:0011163, OMIM 601887.

Submission:

All of Us Research Program, National Institutes of Health
Classification: Likely benign for Malignant hyperthermia, susceptibility to, 5. Last evaluated: 2023-06-26. Review status: criteria provided, single submitter. Criteria: ACMG Guidelines, 2015. Collection method: clinical testing. Allele origin: germline. Inheritance: Autosomal dominant inheritance. Observed: 1 variant allele, 1 heterozygote.
Comment: This study involves interpretation of variants in research participants for the purpose of population health screening. Participant phenotype was not available at the time of variant classification. Additional details can be found in publication PMID: 35346344, PMCID: PMC8962531

NM_000069.3(CACNA1S):c.1620-6del

Gene: CACNA1S (calcium voltage-gated channel subunit alpha1 S; minus strand). Cytogenetic location: 1q32.1.
Variant type: Deletion.
Coding change: c.1620-6del on transcript NM_000069.3 (MANE Select); 6 bases into the intron before coding-DNA position 1620, one base deleted (C; older notation c.1620-6delC).
Molecular consequence: intron variant.
Genome position (GRCh38, 1-based): chr1:201,077,133, G deleted on the plus strand (C on the coding strand, the reverse complement: CACNA1S is on the minus strand); the first of 2 consecutive G bases (chr1:201,077,133-201,077,134); deleting either gives the same sequence. VCF-style (leftmost placement, unchanged base first): chr1-201077132-AG-A. GRCh37 (hg19) VCF-style: chr1-201046260-AG-A.
Identifiers: ClinVar variation 3072221 (VCV003072221.1), dbSNP rs2464567468, ClinGen allele CA2825000906.